The following is an entry in ClinVar:

ClinVar aggregate classification (germline): Uncertain significance (1 of 4 stars; one submission).

Allele frequency attached by ClinVar (database versions not stated): gnomAD exomes below 0.00001.
gnomAD v4.1: 2 of 1,613,542 alleles (0.00012%); highest among the groups gnomAD compares: Non-Finnish European, 0.00017%; no homozygotes.

Submission:

Ambry Genetics
Classification: Uncertain significance. Last evaluated: 2025-10-05. Review status: criteria provided, single submitter. Criteria: Ambry Variant Classification Scheme 2023. Collection method: clinical testing. Allele origin: germline.
Comment: The p.L764V variant (also known as c.2290T>G), located in coding exon 15 of the RINT1 gene, results from a T to G substitution at nucleotide position 2290. The leucine at codon 764 is replaced by valine, an amino acid with highly similar properties. This amino acid position is conserved. In addition, the in silico prediction for this alteration is inconclusive. Since supporting evidence is limited at this time, the clinical significance of this alteration remains unclear.

NM_021930.6(RINT1):c.2290T>G (p.Leu764Val)

Genes: EFCAB10 (EF-hand calcium binding domain 10; minus strand), RINT1 (RAD50 interactor 1; plus strand). Cytogenetic location: 7q22.3.
Variant type: single nucleotide variant.
Coding change: c.2290T>G on transcript NM_021930.6 (MANE Select); coding-DNA position 2290, T replaced by G.
Protein change: p.Leu764Val; replaces leucine 764 with valine.
Molecular consequence: missense variant. On other transcripts: 3 prime UTR variant (2), non-coding transcript variant (1), intron variant (3).
Genome position (GRCh38, 1-based): chr7:105,567,222, T>G. VCF-style: chr7-105567222-T-G. GRCh37 (hg19) VCF-style: chr7-105207669-T-G.
Other names: c.*232A>C (NM_001355527.2, NM_001355529.2); c.2056T>G, p.Leu686Val (NM_001346599.2); c.1267T>G, p.Leu423Val (NM_001346600.2, NM_001346603.2); c.1366T>G, p.Leu456Val (NM_001346601.2); c.360-1775A>C (NM_001355531.2); c.383+245A>C (NM_001355526.2, NM_001355530.2); short protein forms L423V, L456V, L686V, L764V.
Identifiers: ClinVar variation 1789112 (VCV001789112.3), dbSNP rs2485203140, ClinGen allele CA368815562.